The following is an entry in ClinVar:

NM_021615.5(CHST6):c.*2327C>T

Gene: CHST6 (carbohydrate sulfotransferase 6; minus strand). Cytogenetic location: 16q23.1.
Variant type: single nucleotide variant.
Coding change: c.*2327C>T on transcript NM_021615.5 (MANE Select); 2327 bases downstream of the stop codon, C replaced by T.
Molecular consequence: 3 prime UTR variant.
Genome position (GRCh38, 1-based): chr16:75,476,314, G>A on the plus strand (C>T on the coding strand, the complement: CHST6 is on the minus strand). VCF-style: chr16-75476314-G-A. GRCh37 (hg19) VCF-style: chr16-75510212-G-A.
Identifiers: ClinVar variation 320552 (VCV000320552.6), dbSNP rs185053, ClinGen allele CA10648083.

ClinVar aggregate classification (germline): Benign. Review status: criteria provided, multiple submitters, no conflicts (2 of 4 stars). 2 submissions from 2 submitters: Benign (2). Last evaluated 2018-01-12.

Conditions:
Macular corneal dystrophy (MCD). Also called: GROENOUW TYPE II CORNEAL DYSTROPHY; Macular corneal dystrophy Type I. Identifiers: Orphanet 98969, MedGen C1636149, MONDO:0009020, OMIM 217800.

Allele frequency attached by ClinVar (database versions not stated): gnomAD exomes 0.10417; gnomAD 0.19705 and 0.19826; TOPMed 0.19772; 1000 Genomes Project 30x 0.20284; 1000 Genomes Project 0.20787.
gnomAD v4.1: 29,990 of 151,382 alleles (20%); highest among the groups gnomAD compares: East Asian, 37%; 3,169 homozygotes.

Submissions (2):

Illumina Laboratory Services, Illumina
Classification: Benign for Macular corneal dystrophy. Last evaluated: 2018-01-12. Review status: criteria provided, single submitter. Criteria: ICSL Variant Classification Criteria 13 December 2019. Collection method: clinical testing. Allele origin: germline.
Comment: This variant was observed in the ICSL laboratory as part of a predisposition screen in an ostensibly healthy population. It had not been previously curated by ICSL or reported in the Human Gene Mutation Database (HGMD: prior to June 1st, 2018), and was therefore a candidate for classification through an automated scoring system. Utilizing variant allele frequency, disease prevalence and penetrance estimates, and inheritance mode, an automated score was calculated to assess if this variant is too frequent to cause the disease. Based on the score and internal cut-off values, a variant classified as benign is not then subjected to further curation. The score for this variant resulted in a classification of benign for this disease.

Breakthrough Genomics
Classification: Benign. Review status: criteria provided, single submitter. Criteria: ACMG Guidelines, 2015. Collection method: not provided. Allele origin: germline. Inheritance: Autosomal recessive inheritance. Affected: yes.